The following is an entry in ClinVar:

NM_002439.5(MSH3):c.3398C>T (p.Thr1133Ile)

Gene: MSH3 (mutS homolog 3; plus strand). Cytogenetic location: 5q14.1.
Variant type: single nucleotide variant.
Coding change: c.3398C>T on transcript NM_002439.5 (MANE Select); coding-DNA position 3398, C replaced by T.
Protein change: p.Thr1133Ile; replaces threonine 1133 with isoleucine.
Molecular consequence: missense variant.
Genome position (GRCh38, 1-based): chr5:80,875,846, C>T. VCF-style: chr5-80875846-C-T. GRCh37 (hg19) VCF-style: chr5-80171665-C-T.
Other names: short protein forms T1133I.
Identifiers: ClinVar variation 1730960 (VCV001730960.2), dbSNP rs2478809314, ClinGen allele CA360347487.

ClinVar aggregate classification (germline): Uncertain significance (1 of 4 stars; one submission).

Conditions:
Hereditary cancer-predisposing syndrome. Also called: Neoplastic Syndromes, Hereditary; Tumor predisposition; Hereditary Cancer Syndrome; Hereditary neoplastic syndrome. Identifiers: Orphanet 140162, MedGen C0027672, MeSH D009386, MONDO:0015356.

Submission:

Ambry Genetics
Classification: Uncertain significance for Hereditary cancer-predisposing syndrome. Last evaluated: 2022-09-25. Review status: criteria provided, single submitter. Criteria: Ambry Variant Classification Scheme 2023. Collection method: clinical testing. Allele origin: germline.
Comment: The p.T1133I variant (also known as c.3398C>T), located in coding exon 24 of the MSH3 gene, results from a C to T substitution at nucleotide position 3398. The threonine at codon 1133 is replaced by isoleucine, an amino acid with similar properties. This amino acid position is conserved. In addition, this alteration is predicted to be tolerated by in silico analysis. Since supporting evidence is limited at this time, the clinical significance of this alteration remains unclear.